The following is an entry in ClinVar:

NM_012096.3(APPL1):c.5C>A (p.Pro2Gln)

Genes: APPL1 (adaptor protein, phosphotyrosine interacting with PH domain and leucine zipper 1; plus strand), LOC129936926 (ATAC-STARR-seq lymphoblastoid silent region 14480; plus strand). Cytogenetic location: 3p14.3.
Variant type: single nucleotide variant.
Coding change: c.5C>A on transcript NM_012096.3 (MANE Select); coding-DNA position 5, C replaced by A.
Protein change: p.Pro2Gln; replaces proline 2 with glutamine.
Molecular consequence: missense variant.
Genome position (GRCh38, 1-based): chr3:57,227,888, C>A. VCF-style: chr3-57227888-C-A. GRCh37 (hg19) VCF-style: chr3-57261916-C-A.
Other names: short protein forms P2Q.
Identifiers: ClinVar variation 2987151 (VCV002987151.3), dbSNP rs752732231, ClinGen allele CA2463368.

ClinVar aggregate classification (germline): Uncertain significance (1 of 4 stars; one submission).

Allele frequency attached by ClinVar (database versions not stated): ExAC 0.00008; gnomAD 0.00012.

Submission:

Labcorp Genetics (formerly Invitae), Labcorp
Classification: Uncertain significance. Last evaluated: 2025-09-14. Review status: criteria provided, single submitter. Criteria: Invitae Variant Classification Sherloc (09022015). Collection method: clinical testing. Allele origin: germline.
Comment: This sequence change replaces proline, which is neutral and non-polar, with glutamine, which is neutral and polar, at codon 2 of the APPL1 protein (p.Pro2Gln). The frequency data for this variant in the population databases is considered unreliable, as metrics indicate poor data quality at this position in the gnomAD database. This variant has not been reported in the literature in individuals affected with APPL1-related conditions. ClinVar contains an entry for this variant (Variation ID: 2987151). An algorithm developed to predict the effect of missense changes on protein structure and function (PolyPhen-2) suggests that this variant is likely to be disruptive. Algorithms developed to predict the effect of sequence changes on RNA splicing suggest that this variant may create or strengthen a splice site. In summary, the available evidence is currently insufficient to determine the role of this variant in disease. Therefore, it has been classified as a Variant of Uncertain Significance.